The following is an entry in ClinVar:

ClinVar aggregate classification (germline): Benign/Likely benign. Review status: criteria provided, multiple submitters, no conflicts (2 of 4 stars). 3 submissions from 3 submitters: Benign (1); Likely benign (1). 1 of the submissions does not count toward it. Last evaluated 2026-05-08.

Conditions:
ABCA4-related disorder. Also called: ABCA4-related condition; ABCA4-related disorders. Identifiers: MedGen CN239167.
Retinal dystrophy. Also called: Inherited retinal dystrophy. Identifiers: Orphanet 71862, MedGen C0854723, MeSH D058499, MONDO:0019118, HP:0000556.

gnomAD v4.1: 569 of 152,326 alleles (0.37%); highest among the groups gnomAD compares: Non-Finnish European, 0.42%; no homozygotes.

Submissions (3):

PreventionGenetics, part of Exact Sciences
Classification: Benign for ABCA4-related condition. Last evaluated: 2026-05-08. Review status: criteria provided, single submitter. Criteria: ACMG Guidelines, 2015. Collection method: clinical testing. Allele origin: germline.
Comment: This variant is classified as benign based on ACMG/AMP sequence variant interpretation guidelines (Richards et al. 2015 PMID: 25741868, with internal and published modifications).

CeGaT Center for Human Genetics Tuebingen
Classification: Likely benign. Last evaluated: 2025-10-01. Review status: criteria provided, single submitter. Criteria: CeGaT Center For Human Genetics Tuebingen Variant Classification Criteria Version 2. Collection method: clinical testing. Allele origin: germline. Affected: yes. Observed: 1 variant allele.
Comment: ABCA4: BS1

Institute of Human Genetics, Univ. Regensburg, Univ. Regensburg
Classification: Uncertain significance for Retinal dystrophy. Last evaluated: 2019-01-01. Review status: no assertion criteria provided. Criteria: ACMG Guidelines, 2015. Collection method: clinical testing. Allele origin: germline. Affected: yes. Not counted in ClinVar's aggregate classification.

NM_000350.3(ABCA4):c.6006-609T>A

Gene: ABCA4 (ATP binding cassette subfamily A member 4; minus strand). Cytogenetic location: 1p22.1.
Variant type: single nucleotide variant.
Coding change: c.6006-609T>A on transcript NM_000350.3 (MANE Select); 609 bases into the intron before coding-DNA position 6006, T replaced by A.
Molecular consequence: intron variant.
Genome position (GRCh38, 1-based): chr1:94,006,191, A>T on the plus strand (T>A on the coding strand, the complement: ABCA4 is on the minus strand). VCF-style: chr1-94006191-A-T. GRCh37 (hg19) VCF-style: chr1-94471747-A-T.
Other names: c.6006-609T>A (NM_000350.2).
Identifiers: ClinVar variation 3249871 (VCV003249871.8).
Genomic context (GRCh38, chr1:94,006,191, plus strand): 5'-TGCCAAGATGGAAAATAAACTATACATAGACATTTAGTCTAATCTCATCCTTTTCTTCTT[A>T]TAGCTTAGGGTCTATGAATAAAGGATGGATGATATAGGATGGTACAGAGAGACCATTACA-3'